The following is an entry in ClinVar:

ClinVar aggregate classification (germline): Likely pathogenic (1 of 4 stars; one submission).

Conditions:
GJA8-related disorder. Also called: GJA8-related condition.

Submission:

PreventionGenetics, part of Exact Sciences
Classification: Likely pathogenic for GJA8-related condition. Last evaluated: 2024-11-25. Review status: criteria provided, single submitter. Criteria: ACMG Guidelines, 2015. Collection method: clinical testing. Allele origin: germline.
Comment: The GJA8 c.139dupG variant is predicted to result in a frameshift and premature protein termination (p.Asp47Glyfs*2). To our knowledge, this variant has not been reported in the literature. This variant is reported in 0.00088% of alleles in individuals of European (Non-Finnish) descent in gnomAD. Frameshift variants in GJA8 are expected to be pathogenic. This variant is interpreted as likely pathogenic.

NM_005267.5(GJA8):c.139dup (p.Asp47fs)

Gene: GJA8 (gap junction protein alpha 8; plus strand). Cytogenetic location: 1q21.2.
Variant type: Duplication.
Coding change: c.139dup on transcript NM_005267.5 (MANE Select); coding-DNA position 139, one base duplicated (G; older notation c.139dupG).
Protein change: p.Asp47fs; shifts the reading frame from aspartic acid 47.
Molecular consequence: frameshift variant.
Genome position (GRCh38, 1-based): chr1:147,908,094, G duplicated; the last of 6 consecutive G bases (chr1:147,908,089-147,908,094); duplicating any one gives the same sequence. VCF-style (leftmost placement, unchanged base first): chr1-147908088-T-TG. GRCh37 (hg19) VCF-style: chr1-147380215-T-TG.
Other names: short protein forms D47fs.
Identifiers: ClinVar variation 5000624 (VCV005000624.1).